The following is an entry in ClinVar:

NM_033380.3(COL4A5):c.546+2dup

Gene: COL4A5 (collagen type IV alpha 5 chain; plus strand). Cytogenetic location: Xq22.3.
Variant type: Duplication.
Coding change: c.546+2dup on transcript NM_033380.3 (MANE Select); the canonical splice donor site of the intron after coding-DNA position 546, one base duplicated (T; older notation c.546+2dupT).
Molecular consequence: splice donor variant.
Genome position (GRCh38, 1-based): chrX:108,573,656, T duplicated. VCF-style (leftmost placement, unchanged base first): chrX-108573655-G-GT. GRCh37 (hg19) VCF-style: chrX-107816885-G-GT.
Other names: c.546+2dup (NM_000495.5).
Identifiers: ClinVar variation 562420 (VCV000562420.11), dbSNP rs1569489353, ClinGen allele CA658823830.

ClinVar aggregate classification (germline): Pathogenic. Review status: criteria provided, multiple submitters, no conflicts (2 of 4 stars). 3 submissions from 3 submitters: Pathogenic (2). 1 of the submissions does not count toward it. Last evaluated 2025-06-12.

Conditions:
X-linked Alport syndrome (ATS1). Also called: COL4A5-Related Nephropathy; NEPHROPATHY AND DEAFNESS, X-LINKED. Identifiers: Orphanet 63, Orphanet 88917, MedGen C4746986, MONDO:0010520, OMIM 301050.

Submissions (3):

Labcorp Genetics (formerly Invitae), Labcorp
Classification: Pathogenic. Last evaluated: 2025-06-12. Review status: criteria provided, single submitter. Criteria: Invitae Variant Classification Sherloc (09022015). Collection method: clinical testing. Allele origin: germline.
Comment: This sequence change falls in intron 9 of the COL4A5 gene. It does not directly change the encoded amino acid sequence of the COL4A5 protein. RNA analysis indicates that this variant induces altered splicing and likely results in a shortened protein product. This variant is not present in population databases (gnomAD no frequency). This variant has been observed in individual(s) with Alport syndrome (PMID: 24304881). This variant is also known as c.546+2_3insT. ClinVar contains an entry for this variant (Variation ID: 562420). Variants that disrupt the consensus splice site are a relatively common cause of aberrant splicing (PMID: 17576681, 9536098). Studies have shown that this variant results in skipping of exon 9, but is expected to preserve the integrity of the reading-frame (PMID: 24304881). This variant disrupts the triple helix domain of COL4A5. Glycine residues within the Gly-Xaa-Yaa repeats of the triple helix domain are required for the structure and stability of fibrillar collagens (PMID: 7695699, 8218237, 19344236). In COL4A5, missense variants at these glycine residues are significantly enriched in individuals with disease (PMID: 23720012, 27627812) compared to the general population (ExAC). For these reasons, this variant has been classified as Pathogenic.

Institute of Human Genetics Munich, TUM University Hospital
Classification: Pathogenic for X-linked Alport syndrome. Last evaluated: 2018-03-15. Review status: criteria provided, single submitter. Criteria: Classification criteria August 2017. Collection method: clinical testing. Allele origin: germline. Inheritance: X-linked inheritance. Affected: yes. Observed: 1 hemizygote.

Gharavi Laboratory, Columbia University
Classification: Pathogenic. Last evaluated: 2018-09-16. Review status: no assertion criteria provided. Criteria: ACMG Guidelines, 2015. Collection method: research. Allele origin: germline. Affected: yes. Not counted in ClinVar's aggregate classification.

Literature cited by the submitters: PubMed 24304881 (cited by Labcorp Genetics (formerly Invitae), Labcorp); PubMed 17576681 (cited by Labcorp Genetics (formerly Invitae), Labcorp); PubMed 9536098 (cited by Labcorp Genetics (formerly Invitae), Labcorp); PubMed 7695699 (cited by Labcorp Genetics (formerly Invitae), Labcorp); PubMed 8218237 (cited by Labcorp Genetics (formerly Invitae), Labcorp); PubMed 19344236 (cited by Labcorp Genetics (formerly Invitae), Labcorp); PubMed 23720012 (cited by Labcorp Genetics (formerly Invitae), Labcorp); PubMed 27627812 (cited by Labcorp Genetics (formerly Invitae), Labcorp).